The following is an entry in ClinVar:

NM_001377.3(DYNC2H1):c.6962A>G (p.Gln2321Arg)

Gene: DYNC2H1 (dynein cytoplasmic 2 heavy chain 1; plus strand). Cytogenetic location: 11q22.3.
Variant type: single nucleotide variant.
Coding change: c.6962A>G on transcript NM_001377.3 (MANE Select); coding-DNA position 6962, A replaced by G.
Protein change: p.Gln2321Arg; replaces glutamine 2321 with arginine.
Molecular consequence: missense variant.
Genome position (GRCh38, 1-based): chr11:103,187,408, A>G. VCF-style: chr11-103187408-A-G. GRCh37 (hg19) VCF-style: chr11-103058137-A-G.
Other names: c.6962A>G, p.Gln2321Arg (NM_001080463.2); short protein forms Q2321R.
Identifiers: ClinVar variation 2582054 (VCV002582054.3), dbSNP rs781519080, ClinGen allele CA6254126.

ClinVar aggregate classification (germline): Uncertain significance. Review status: criteria provided, multiple submitters, no conflicts (2 of 4 stars). 3 submissions from 3 submitters: Uncertain significance (3). Last evaluated 2024-11-14.

Conditions:
Inborn genetic diseases. Identifiers: MedGen C0950123, MeSH D030342.

Allele frequency attached by ClinVar (database versions not stated): gnomAD exomes 0.00001; TOPMed 0.00002; ExAC 0.00003.
gnomAD v4.1: 7 of 1,613,284 alleles (0.00043%); highest among the groups gnomAD compares: East Asian, 0.016%; no homozygotes.

Submissions (3):

Blueprint Genetics
Classification: Uncertain significance. Last evaluated: 2024-11-14. Review status: criteria provided, single submitter. Criteria: ACMG Guidelines, 2015. Collection method: clinical testing. Allele origin: germline.

Ambry Genetics
Classification: Uncertain significance for Inborn genetic diseases. Last evaluated: 2024-03-07. Review status: criteria provided, single submitter. Criteria: Ambry Variant Classification Scheme 2023. Collection method: clinical testing. Allele origin: germline.

GeneDx
Classification: Uncertain significance. Last evaluated: 2023-03-28. Review status: criteria provided, single submitter. Criteria: GeneDx Variant Classification Process June 2021. Collection method: clinical testing. Allele origin: germline. Affected: yes.
Comment: In silico analysis supports that this missense variant has a deleterious effect on protein structure/function; Has not been previously published as pathogenic or benign to our knowledge